The following is an entry in ClinVar:

NM_002834.5(PTPN11):c.329A>C (p.Glu110Ala)

Gene: PTPN11 (protein tyrosine phosphatase non-receptor type 11; plus strand). Cytogenetic location: 12q24.13.
Variant type: single nucleotide variant.
Coding change: c.329A>C on transcript NM_002834.5 (MANE Select); coding-DNA position 329, A replaced by C.
Protein change: p.Glu110Ala; replaces glutamic acid 110 with alanine.
Molecular consequence: missense variant.
Genome position (GRCh38, 1-based): chr12:112,450,509, A>C. VCF-style: chr12-112450509-A-C. GRCh37 (hg19) VCF-style: chr12-112888313-A-C.
Other names: p.E110A:GAA>GCA; c.329A>C, p.Glu110Ala (NM_001330437.2, NM_080601.3); c.326A>C, p.Glu109Ala (NM_001374625.1); c.329A>C (NM_001330437.1); short protein forms E110A, E109A.
Identifiers: ClinVar variation 40508 (VCV000040508.29), dbSNP rs397507519, ClinGen allele CA282085.

ClinVar aggregate classification (germline): Pathogenic/Likely pathogenic. Review status: criteria provided, multiple submitters, no conflicts (2 of 4 stars). 11 submissions from 9 submitters: Pathogenic (5); Likely pathogenic (6). Last evaluated 2026-01-03.

Conditions:
Cardiovascular phenotype. Identifiers: MedGen CN230736.
RASopathy. Also called: Noonan spectrum disorder; rasopathies. Identifiers: Orphanet 536391, MedGen C5555857, MONDO:0021060.
LEOPARD syndrome 1 (LPRD1). Also called: PTPN11-Related LEOPARD Syndrome; LENTIGINOSIS, CARDIOMYOPATHIC; MULTIPLE LENTIGINES SYNDROME. Identifiers: Orphanet 500, MedGen C4551484, MONDO:0100082, OMIM 151100.
Metachondromatosis (METCDS). Identifiers: Orphanet 2499, MedGen C0410530, MONDO:0007979, OMIM 156250.
Noonan syndrome 1 (NS1). Also called: FEMALE PSEUDO-TURNER SYNDROME; PTPN11-Related Noonan Syndrome; TURNER PHENOTYPE WITH NORMAL KARYOTYPE. Identifiers: Orphanet 648, MedGen C4551602, MONDO:0008104, OMIM 163950. Disease mechanism: gain of function.

Submissions (11):

Labcorp Genetics (formerly Invitae), Labcorp
Classification: Pathogenic for RASopathy. Last evaluated: 2026-01-03. Review status: criteria provided, single submitter. Criteria: Invitae Variant Classification Sherloc (09022015). Collection method: clinical testing. Allele origin: germline.
Comment: This sequence change replaces glutamic acid, which is acidic and polar, with alanine, which is neutral and non-polar, at codon 110 of the PTPN11 protein (p.Glu110Ala). This variant is not present in population databases (gnomAD no frequency). This missense change has been observed in individual(s) with clinical features of RASopathy spectrum disorders and/or Noonan syndrome (PMID: 15001945; internal data). In at least one individual the variant was observed to be de novo. ClinVar contains an entry for this variant (Variation ID: 40508). Invitae Evidence Modeling of protein sequence and biophysical properties (such as structural, functional, and spatial information, amino acid conservation, physicochemical variation, residue mobility, and thermodynamic stability) has been performed for this missense variant. However, the output from this modeling did not meet the statistical confidence thresholds required to predict the impact of this variant on PTPN11 protein function. This variant disrupts the p.Glu110 amino acid residue in PTPN11. Other variant(s) that disrupt this residue have been determined to be pathogenic (PMID: 22465605, 24150203, 24451042; internal data). This suggests that this residue is clinically significant, and that variants that disrupt this residue are likely to be disease-causing. For these reasons, this variant has been classified as Pathogenic.

Ambry Genetics
Classification: Likely pathogenic for Cardiovascular phenotype. Last evaluated: 2025-07-17. Review status: criteria provided, single submitter. Criteria: Ambry Variant Classification Scheme 2023. Collection method: clinical testing. Allele origin: germline.
Comment: The p.E110A variant (also known as c.329A>C), located in coding exon 3 of the PTPN11 gene, results from an A to C substitution at nucleotide position 329. The glutamic acid at codon 110 is replaced by alanine, an amino acid with dissimilar properties. This variant was reported in individual(s) with features consistent with PTPN11-related RASopathy; in at least one individual, it was determined to be de novo (Tartaglia M et al. Am J Hum Genet, 2006 Feb;78:279-90; Downie L et al. Eur J Hum Genet, 2020 May;28:587-596; Mohan P et al. Ultrasound Obstet Gynecol, 2022 Jan;59:33-39; Zenker M et al. J Pediatr, 2004 Mar;144:368-74; Ambry internal data). Anther variant(s) at the same codon, p.E110K (c.328G>A), has been identified in individual(s) with features consistent with PTPN11-related RASopathy (Ezquieta B et al. Rev Esp Cardiol (Engl Ed), 2012 May;65:447-55). This amino acid position is highly conserved in available vertebrate species. In addition, this alteration is predicted to be deleterious by in silico analysis. This variant is considered to be rare based on population cohorts in the Genome Aggregation Database (gnomAD). Based on the majority of available evidence to date, this variant is likely to be pathogenic.

GeneDx
Classification: Likely pathogenic. Last evaluated: 2024-10-01. Review status: criteria provided, single submitter. Criteria: GeneDx Variant Classification Process June 2021. Collection method: clinical testing. Allele origin: germline. Affected: yes.
Comment: Reported previously in a patient with Noonan syndrome; however further clinical details and information about parental testing was not provided (PMID: 15001945); Not observed at significant frequency in large population cohorts (gnomAD); Missense variants in this gene are a common cause of disease and they are underrepresented in the general population; In silico analysis supports that this missense variant has a deleterious effect on protein structure/function; This variant is associated with the following publications: (PMID: 18470943, 22681964, 24803665, 16053901, 24150203, 15001945, 31827275, 34358384, 16358218, 22465605)

Baylor Genetics
Classification: Pathogenic for LEOPARD syndrome 1. Last evaluated: 2023-05-05. Review status: criteria provided, single submitter. Criteria: ACMG Guidelines, 2015. Collection method: clinical testing. Allele origin: unknown.

Baylor Genetics
Classification: Pathogenic for Noonan syndrome 1. Last evaluated: 2023-05-05. Review status: criteria provided, single submitter. Criteria: ACMG Guidelines, 2015. Collection method: clinical testing. Allele origin: unknown.

Baylor Genetics
Classification: Pathogenic for Metachondromatosis. Last evaluated: 2023-05-05. Review status: criteria provided, single submitter. Criteria: ACMG Guidelines, 2015. Collection method: clinical testing. Allele origin: unknown.

CENTOGENE GmbH and LLC - Guiding Precision Medicine
Classification: Likely pathogenic for Noonan syndrome 1. Last evaluated: 2021-08-30. Review status: criteria provided, single submitter. Criteria: ACMG Guidelines, 2015. Collection method: clinical testing. Allele origin: germline.

Women's Health and Genetics/Laboratory Corporation of America, LabCorp
Classification: Pathogenic for RASopathy. Last evaluated: 2021-04-05. Review status: criteria provided, single submitter. Criteria: LabCorp Variant Classification Summary - May 2015. Collection method: clinical testing. Allele origin: germline.
Comment: Variant summary: PTPN11 c.329A>C (p.Glu110Ala) results in a non-conservative amino acid change located in the linker region that connects the N-SH2 and C-SH2 functional domains (Tartaglia_2006) of the encoded protein sequence. Four of five in-silico tools predict a damaging effect of the variant on protein function. The variant was absent in 251352 control chromosomes (gnomAD and publication). c.329A>C has been reported in the literature in multiple individuals affected with Noonan Syndrome or Pulmonary valve stenosis (Zenker_2004, Tartaglia_2006, Digilio_2012, Downie_2019). These data indicate that the variant is very likely to be associated with disease. Additionally, another variant at the same residue, E110K, was found in individuals affected with Noonan Syndrome (HGMD), suggesting that this variant is clinically significant. To our knowledge, no experimental evidence demonstrating an impact on protein function has been reported. Four ClinVar submitters (evaluation after 2014) cite the variant as pathogenic (n=2) and likely pathogenic (n=2). Based on the evidence outlined above, the variant was classified as pathogenic.

ARUP Laboratories, Molecular Genetics and Genomics, ARUP Laboratories
Classification: Likely pathogenic. Last evaluated: 2019-04-16. Review status: criteria provided, single submitter. Criteria: ARUP Molecular Germline Variant Investigation Process. Collection method: clinical testing. Allele origin: germline.
Comment: The PTPN11 c.329A>C; p.Glu110Ala variant (rs397507519) is reported in the literature in several individuals affected with Noonan syndrome or a related RASopathy (Tartaglia 2006, Zenker 2004). This variant is absent from general population databases (Exome Variant Server, Genome Aggregation Database), indicating it is not a common polymorphism, and it is reported as pathogenic by a single laboratory in ClinVar (Variation ID: 40508). The glutamate at codon 110 is highly conserved, and computational analyses (SIFT, PolyPhen-2) predict that this variant is deleterious. This variant occurs in the linker between the N- and C-terminal SH2 domains, and it is predicted to influence the orientation or mobility of these domains (Tartaglia 2006). Additionally, another variant at this amino acid (p.Glu110Lys) has been reported in several individuals with Noonan syndrome or another RASopathy (Ezquieta 2012, Rodriguez 2014). Based on available information, the p.Glu110Ala variant is considered to be likely pathogenic. References: Ezquieta B et al. Alterations in RAS-MAPK genes in 200 Spanish patients with Noonan and other neuro-cardio-facio-cutaneous syndromes. Genotype and cardiopathy. Rev Esp Cardiol (Engl Ed). 2012 May;65(5):447-55. Rodriguez FA et al. Molecular characterization of Chilean patients with a clinical diagnosis of Noonan syndrome. J Pediatr Endocrinol Metab. 2014 Mar;27(3-4):305-9. Tartaglia M et al. Diversity and functional consequences of germline and somatic PTPN11 mutations in human disease. Am J Hum Genet. 2006 Feb;78(2):279-90. Zenker M et al. Genotype-phenotype correlations in Noonan syndrome. J Pediatr. 2004 Mar;144(3):368-74.

Victorian Clinical Genetics Services, Murdoch Childrens Research Institute
Classification: Likely pathogenic for Noonan syndrome 1. Last evaluated: 2018-06-26. Review status: criteria provided, single submitter. Criteria: ACMG Guidelines, 2015. Collection method: clinical testing. Allele origin: unknown. Affected: yes.
Comment: A heterozygous missense variant, NM_002834.3(PTPN11):c.329A>C, has been identified in exon 3 of 16 of the PTPN11 gene. The variant is predicted to result in an amino acid change from glutamic acid to alanine at position 110 of the protein (NP_002825.3(PTPN11):p.(Glu110Ala)). The glutamic acid residue at this position hasvery high conservation (100 vertebrates, UCSC), and is located within the Linker region that connects the N-SH2 and C-SH2 functional domains. In silico predictions for this variant are consistently pathogenic (Polyphen, SIFT, CADD, Mutation Taster). The variant is absent in population databases (gnomAD, dbSNP, 1000G). The variant has been previously described as pathogenic in individuals with Noonan syndrome (ClinVar, Zenker et al., (2004)). A different variant in the same codon resulting in a change to lysine has also been reported to cause Noonan syndrome and the variant was shown to be de novo (ClinVar, Ezquieta et al., (2012)). Based on the information available at the time of curation, this variant has been classified as LIKELY PATHOGENIC.

Juno Genomics, Hangzhou Juno Genomics, Inc
Classification: Likely pathogenic for Noonan syndrome 1. Review status: criteria provided, single submitter. Criteria: ACMG Guidelines, 2015. Collection method: clinical testing. Allele origin: germline. Affected: yes.
Comment: Absent from controls (or at extremely low frequency if recessive) in Genome Aggregation Database, Exome Sequencing Project, 1000 Genomes Project, or Exome Aggregation Consortium.;Missense variant in a gene that has a low rate of benign missense variation and where missense variants are a common mechanism of disease.;Multiple lines of computational evidence support a deleterious effect on the gene or gene product (conservation, evolutionary, splicing impact, etc).;The prevalence of the variant in affected individuals is significantly increased compared to the prevalence in controls.;Patient's phenotype or family history is highly specific for a disease with a single genetic etiology.;Assumed de novo, but without confirmation of paternity and maternity.;Novel missense change at an amino acid residue where a different missense change determined to be pathogenic has been seen before.

Literature cited by the submitters: PubMed 15001945 (cited by 3 submitters); PubMed 22465605 (cited by Labcorp Genetics (formerly Invitae), Labcorp); PubMed 24150203 (cited by Labcorp Genetics (formerly Invitae), Labcorp); PubMed 24451042 (cited by Labcorp Genetics (formerly Invitae), Labcorp); PubMed 16358218 (cited by Ambry Genetics and Women's Health and Genetics/Laboratory Corporation of America, LabCorp); PubMed 31827275 (cited by Ambry Genetics and Women's Health and Genetics/Laboratory Corporation of America, LabCorp); PubMed 34358384 (cited by Ambry Genetics); PubMed 22781091 (cited by Women's Health and Genetics/Laboratory Corporation of America, LabCorp); PubMed 24803665 (cited by Women's Health and Genetics/Laboratory Corporation of America, LabCorp).